The following is an entry in ClinVar:

NM_080680.3(COL11A2):c.1694G>A (p.Gly565Glu)

Gene: COL11A2 (collagen type XI alpha 2 chain; minus strand). Cytogenetic location: 6p21.32.
Variant type: single nucleotide variant.
Coding change: c.1694G>A on transcript NM_080680.3 (MANE Select); coding-DNA position 1694, G replaced by A.
Protein change: p.Gly565Glu; replaces glycine 565 with glutamic acid.
Molecular consequence: missense variant.
Genome position (GRCh38, 1-based): chr6:33,178,704, C>T on the plus strand (G>A on the coding strand, the complement: COL11A2 is on the minus strand). VCF-style: chr6-33178704-C-T. GRCh37 (hg19) VCF-style: chr6-33146481-C-T.
Other names: c.1373G>A, p.Gly458Glu (NM_080679.3); c.1436G>A, p.Gly479Glu (NM_080681.3); short protein forms G458E, G479E, G565E.
Identifiers: ClinVar variation 667221 (VCV000667221.4), dbSNP rs781378391, ClinGen allele CA3751249.

ClinVar aggregate classification (germline): Uncertain significance (1 of 4 stars; one submission).

Allele frequency attached by ClinVar (database versions not stated): ExAC 0.00005; gnomAD 0.00001; gnomAD exomes 0.00002.
gnomAD v4.1: 11 of 1,612,796 alleles (0.00068%); highest among the groups gnomAD compares: Non-Finnish European, 0.00085%; no homozygotes.

Submission:

Laboratory for Molecular Medicine, Mass General Brigham Personalized Medicine
Classification: Uncertain significance. Last evaluated: 2018-05-14. Review status: criteria provided, single submitter. Criteria: LMM Criteria. Collection method: clinical testing. Allele origin: germline. Observed: 1 variant allele.
Comment: The p.Gly565Glu variant in COL11A2 has not been previously reported in individua ls with hearing loss or Stickler syndrome; however, it has been identified in 0. 006% (6/108824) of European chromosomes by the Genome Aggregation Database (gnom AD; dbSNP rs781378391). Although this variant has been seen in the general population, its frequency is not high enough to ru le out a pathogenic role. Computational prediction tools and conservation analys es suggest that this variant may impact the protein, and the variant affects a G ly-X-Y repeat unit in the conserved triple helical domain. However, this informa tion is not predictive enough to determine pathogenicity. In summary, the clinic al significance of the p.Gly565Glu variant is uncertain. ACMG/AMP criteria appli ed: PM2, PP3.